The following is an entry in ClinVar:

ClinVar aggregate classification (germline): Uncertain significance. Review status: criteria provided, multiple submitters, no conflicts (2 of 4 stars). 2 submissions from 2 submitters: Uncertain significance (2). Last evaluated 2024-04-04.

Conditions:
Emery-Dreifuss muscular dystrophy 5, autosomal dominant (EDMD5). Also called: EMERY-DREIFUSS MUSCULAR DYSTROPHY 5. Identifiers: Orphanet 261, MedGen C2751805, MONDO:0013072, OMIM 612999.

Allele frequency attached by ClinVar (database versions not stated): gnomAD 0.00001 and 0.00002; gnomAD exomes 0.00003 and 0.00008; ExAC 0.00009.
gnomAD v4.1: 23 of 1,614,040 alleles (0.0014%); highest among the groups gnomAD compares: Admixed American, 0.038%; no homozygotes.

Submissions (2):

Labcorp Genetics (formerly Invitae), Labcorp
Classification: Uncertain significance for Emery-Dreifuss muscular dystrophy 5, autosomal dominant. Last evaluated: 2024-04-04. Review status: criteria provided, single submitter. Criteria: Invitae Variant Classification Sherloc (09022015). Collection method: clinical testing. Allele origin: germline.
Comment: This sequence change replaces threonine, which is neutral and polar, with serine, which is neutral and polar, at codon 3413 of the SYNE2 protein (p.Thr3413Ser). This variant is present in population databases (rs780825872, gnomAD 0.06%), and has an allele count higher than expected for a pathogenic variant. This variant has not been reported in the literature in individuals affected with SYNE2-related conditions. ClinVar contains an entry for this variant (Variation ID: 1419688). An algorithm developed to predict the effect of missense changes on protein structure and function (PolyPhen-2) suggests that this variant is likely to be tolerated. In summary, the available evidence is currently insufficient to determine the role of this variant in disease. Therefore, it has been classified as a Variant of Uncertain Significance.

Ambry Genetics
Classification: Uncertain significance. Last evaluated: 2023-03-02. Review status: criteria provided, single submitter. Criteria: Ambry Variant Classification Scheme 2023. Collection method: clinical testing. Allele origin: germline.

NM_182914.3(SYNE2):c.10237A>T (p.Thr3413Ser)

Gene: SYNE2 (spectrin repeat containing nuclear envelope protein 2; plus strand). Cytogenetic location: 14q23.2.
Variant type: single nucleotide variant.
Coding change: c.10237A>T on transcript NM_182914.3 (MANE Select); coding-DNA position 10237, A replaced by T.
Protein change: p.Thr3413Ser; replaces threonine 3413 with serine.
Molecular consequence: missense variant.
Genome position (GRCh38, 1-based): chr14:64,065,456, A>T. VCF-style: chr14-64065456-A-T. GRCh37 (hg19) VCF-style: chr14-64532174-A-T.
Other names: c.10237A>T, p.Thr3413Ser (NM_015180.6); c.10237A>T (NM_182914.2); short protein forms T3413S.
Identifiers: ClinVar variation 1419688 (VCV001419688.9), dbSNP rs780825872, ClinGen allele CA7221468.